The following is an entry in ClinVar:

NM_017696.3(MCM9):c.2154G>A (p.Pro718=)

Gene: MCM9 (minichromosome maintenance 9 homologous recombination repair factor; minus strand). Cytogenetic location: 6q22.31.
Variant type: single nucleotide variant.
Coding change: c.2154G>A on transcript NM_017696.3 (MANE Select); coding-DNA position 2154, G replaced by A.
Protein change: p.Pro718=; no amino-acid change (proline 718 retained).
Molecular consequence: synonymous variant. On other transcripts: 3 prime UTR variant (4), non-coding transcript variant (1).
Genome position (GRCh38, 1-based): chr6:118,816,102, C>T on the plus strand (G>A on the coding strand, the complement: MCM9 is on the minus strand). VCF-style: chr6-118816102-C-T. GRCh37 (hg19) VCF-style: chr6-119137265-C-T.
Other names: c.2154G>A, p.Pro718= (NM_001378356.1, NM_001378357.1); c.*61G>A (NM_001378359.1, NM_001378360.1, NM_001378366.1 and 1 more transcripts); c.1950G>A, p.Pro650= (NM_001378364.1).
Identifiers: ClinVar variation 4980258 (VCV004980258.1).

ClinVar aggregate classification (germline): Likely benign (1 of 4 stars; one submission).

Conditions:
MCM9-related disorder. Also called: MCM9-related condition.

gnomAD v4.1: 920 of 1,550,158 alleles (0.059%); highest among the groups gnomAD compares: Non-Finnish European, 0.076%; 2 homozygotes.

Submission:

PreventionGenetics, part of Exact Sciences
Classification: Likely benign for MCM9-related condition. Last evaluated: 2025-04-23. Review status: criteria provided, single submitter. Criteria: ACMG Guidelines, 2015. Collection method: clinical testing. Allele origin: germline.
Comment: This variant is classified as likely benign based on ACMG/AMP sequence variant interpretation guidelines (Richards et al. 2015 PMID: 25741868, with internal and published modifications).